The following is an entry in ClinVar:

ClinVar aggregate classification (germline): Likely benign (1 of 4 stars; one submission).

Conditions:
Tumor predisposition syndrome 2 (TPDS2). Also called: MBD4-ASSOCIATED NEOPLASIA SYNDROME; MBD4-Related Tumor Predisposition Syndrome; MBD4-associated neoplasia syndrome (MANS). Identifiers: Orphanet 661526, MedGen C5774186, MONDO:0859267, OMIM 619975.

gnomAD v4.1: 1 of 1,614,152 alleles (0.000062%); highest among the groups gnomAD compares: Non-Finnish European, 0.000085%; no homozygotes.

Submission:

Myriad Genetics, Inc.
Classification: Likely benign for Tumor predisposition syndrome 2. Last evaluated: 2026-06-09. Review status: criteria provided, single submitter. Criteria: Myriad Autosomal Dominant, Autosomal Recessive and X-Linked Classification Criteria (2023). Collection method: clinical testing. Allele origin: unknown.
Comment: This variant is considered likely benign. This variant is intronic and is not expected to impact mRNA splicing.

NM_001276270.2(MBD4):c.1259-19A>T

Gene: MBD4 (methyl-CpG binding domain 4, DNA glycosylase; minus strand). Cytogenetic location: 3q21.3.
Variant type: single nucleotide variant.
Coding change: c.1259-19A>T on transcript NM_001276270.2 (MANE Select); 19 bases into the intron before coding-DNA position 1259, A replaced by T.
Molecular consequence: intron variant.
Genome position (GRCh38, 1-based): chr3:129,434,003, T>A on the plus strand (A>T on the coding strand, the complement: MBD4 is on the minus strand). VCF-style: chr3-129434003-T-A. GRCh37 (hg19) VCF-style: chr3-129152846-T-A.
Other names: c.323-19A>T (NM_001276273.2); c.1277-19A>T (NM_001276272.2, NM_003925.3, NM_001276271.2).
Identifiers: ClinVar variation 4875831 (VCV004875831.1).
Genomic context (GRCh38, chr3:129,434,003, plus strand): 5'-GTGTCCATTTCTTAAAGGCTTTACGTCGTGGGGGGCTAAGAGCTAAACAAACATAGTGCA[T>A]CAGAATTGAAAACCCAAAATGGAATTAGAATTTGCTGTTCTGATTGGGAAAGGGATACCT-3'